The following is an entry in ClinVar:

NM_013266.4(CTNNA3):c.1721T>C (p.Leu574Pro)

Gene: CTNNA3 (catenin alpha 3; minus strand). Cytogenetic location: 10q21.3.
Variant type: single nucleotide variant.
Coding change: c.1721T>C on transcript NM_013266.4 (MANE Select); coding-DNA position 1721, T replaced by C.
Protein change: p.Leu574Pro; replaces leucine 574 with proline.
Molecular consequence: missense variant.
Genome position (GRCh38, 1-based): chr10:66,379,163, A>G on the plus strand (T>C on the coding strand, the complement: CTNNA3 is on the minus strand). VCF-style: chr10-66379163-A-G. GRCh37 (hg19) VCF-style: chr10-68138921-A-G.
Other names: c.1721T>C, p.Leu574Pro (NM_001127384.3); short protein forms L574P.
Identifiers: ClinVar variation 1299796 (VCV001299796.9), dbSNP rs375428912, ClinGen allele CA5519849.
Genomic context (GRCh38, chr10:66,379,163, plus strand): 5'-TAGATTCAAATAAGAGAAATTGTGCAGCTGTTATTGGCAACTGACTTACCAGTACTTGTA[A>G]GGAAGTTAACATTTCTCATTACACCTTCCGTGTAAGCCCCTGGCTCGTAACTGTCCATTT-3'
Protein context (NP_037398.2, residues 564-584): TEGVMRNVNF[Leu574Pro]TSTVIPEFVT

ClinVar aggregate classification (germline): Uncertain significance. Review status: criteria provided, single submitter (1 of 4 stars). 3 submissions from 3 submitters: Uncertain significance (1). 2 of the submissions do not count toward it. Last evaluated 2022-08-27.

Conditions:
Arrhythmogenic right ventricular dysplasia 13. Also called: Arrhythmogenic right ventricular dysplasia, familial, 13; ARRHYTHMOGENIC RIGHT VENTRICULAR CARDIOMYOPATHY 13. Identifiers: MedGen C3810138, MONDO:0000908, OMIM 615616.

Allele frequency attached by ClinVar (database versions not stated): TOPMed below 0.00001; ExAC 0.00001; gnomAD exomes 0.00001 and 0.00002; gnomAD 0.00003 and 0.00004; ESP Exome Variant Server 0.00008.
gnomAD v4.1: 37 of 1,613,582 alleles (0.0023%); highest among the groups gnomAD compares: Non-Finnish European, 0.0031%; no homozygotes.

Submissions (3):

Labcorp Genetics (formerly Invitae), Labcorp
Classification: Uncertain significance for Arrhythmogenic right ventricular dysplasia 13. Last evaluated: 2022-08-27. Review status: criteria provided, single submitter. Criteria: Invitae Variant Classification Sherloc (09022015). Collection method: clinical testing. Allele origin: germline.
Comment: ClinVar contains an entry for this variant (Variation ID: 1299796). This variant has not been reported in the literature in individuals affected with CTNNA3-related conditions. This variant is present in population databases (rs375428912, gnomAD 0.005%). This sequence change replaces leucine, which is neutral and non-polar, with proline, which is neutral and non-polar, at codon 574 of the CTNNA3 protein (p.Leu574Pro). Algorithms developed to predict the effect of missense changes on protein structure and function are either unavailable or do not agree on the potential impact of this missense change (SIFT: "Deleterious"; PolyPhen-2: "Not Available"; Align-GVGD: "Class C0"). In summary, the available evidence is currently insufficient to determine the role of this variant in disease. Therefore, it has been classified as a Variant of Uncertain Significance.

Diagnostic Laboratory, Department of Genetics, University Medical Center Groningen
Classification: Uncertain significance. Review status: no assertion criteria provided. Collection method: clinical testing. Allele origin: germline. Affected: yes. Study: VKGL Data-share Consensus. Not counted in ClinVar's aggregate classification.

Genome Diagnostics Laboratory, University Medical Center Utrecht
Classification: Uncertain significance. Review status: no assertion criteria provided. Collection method: clinical testing. Allele origin: germline. Affected: yes. Study: VKGL Data-share Consensus. Not counted in ClinVar's aggregate classification.